The following is an entry in ClinVar:

NM_198253.3(TERT):c.224C>G (p.Ser75Cys)

Genes: TERT (telomerase reverse transcriptase; minus strand), LOC110806263 (TERT 5' regulatory region; plus strand). Cytogenetic location: 5p15.33.
Variant type: single nucleotide variant.
Coding change: c.224C>G on transcript NM_198253.3 (MANE Select); coding-DNA position 224, C replaced by G.
Protein change: p.Ser75Cys; replaces serine 75 with cysteine.
Molecular consequence: missense variant. On other transcripts: non-coding transcript variant (2).
Genome position (GRCh38, 1-based): chr5:1,294,662, G>C on the plus strand (C>G on the coding strand, the complement: TERT is on the minus strand). VCF-style: chr5-1294662-G-C. GRCh37 (hg19) VCF-style: chr5-1294777-G-C.
Other names: c.224C>G, p.Ser75Cys (NM_001193376.3); short protein forms S75C.
Identifiers: ClinVar variation 4783692 (VCV004783692.1).

ClinVar aggregate classification (germline): Uncertain significance (1 of 4 stars; one submission).

Conditions:
Dyskeratosis congenita, autosomal dominant 2. Identifiers: MedGen C3151443, MONDO:0013521, OMIM 613989.
Idiopathic Pulmonary Fibrosis. Also called: Idiopathic fibrosing alveolitis, chronic form; idiopathic fibrosing alveolitis. Identifiers: Orphanet 2032, MedGen C1800706, MeSH D054990, MONDO:0800504.

Submission:

Labcorp Genetics (formerly Invitae), Labcorp
Classification: Uncertain significance for Dyskeratosis congenita, autosomal dominant 2; Idiopathic Pulmonary Fibrosis. Last evaluated: 2025-06-29. Review status: criteria provided, single submitter. Criteria: Invitae Variant Classification Sherloc (09022015). Collection method: clinical testing. Allele origin: germline.
Comment: This sequence change replaces serine, which is neutral and polar, with cysteine, which is neutral and slightly polar, at codon 75 of the TERT protein (p.Ser75Cys). This variant is not present in population databases (gnomAD no frequency). This variant has not been reported in the literature in individuals affected with TERT-related conditions. Invitae Evidence Modeling of protein sequence and biophysical properties (such as structural, functional, and spatial information, amino acid conservation, physicochemical variation, residue mobility, and thermodynamic stability) indicates that this missense variant is expected to disrupt TERT protein function with a positive predictive value of 95%. In summary, the available evidence is currently insufficient to determine the role of this variant in disease. Therefore, it has been classified as a Variant of Uncertain Significance.